The following is an entry in ClinVar:

ClinVar aggregate classification (germline): Uncertain significance (1 of 4 stars; one submission).

Conditions:
Tuberous sclerosis 1 (TSC1). Identifiers: Orphanet 805, MedGen C1854465, MONDO:0008612, OMIM 191100.

Submission:

Labcorp Genetics (formerly Invitae), Labcorp
Classification: Uncertain significance for Tuberous sclerosis 1. Last evaluated: 2023-07-05. Review status: criteria provided, single submitter. Criteria: Invitae Variant Classification Sherloc (09022015). Collection method: clinical testing. Allele origin: germline.
Comment: In summary, the available evidence is currently insufficient to determine the role of this variant in disease. Therefore, it has been classified as a Variant of Uncertain Significance. Algorithms developed to predict the effect of missense changes on protein structure and function output the following: SIFT: "Not Available"; PolyPhen-2: "Benign"; Align-GVGD: "Not Available". The threonine amino acid residue is found in multiple mammalian species, which suggests that this missense change does not adversely affect protein function. This variant has not been reported in the literature in individuals affected with TSC1-related conditions. This variant is not present in population databases (gnomAD no frequency). This sequence change replaces alanine, which is neutral and non-polar, with threonine, which is neutral and polar, at codon 2 of the TSC1 protein (p.Ala2Thr).

NM_000368.5(TSC1):c.4G>A (p.Ala2Thr)

Gene: TSC1 (TSC complex subunit 1; minus strand). Cytogenetic location: 9q34.13.
Variant type: single nucleotide variant.
Coding change: c.4G>A on transcript NM_000368.5 (MANE Select); coding-DNA position 4, G replaced by A.
Protein change: p.Ala2Thr; replaces alanine 2 with threonine.
Molecular consequence: missense variant. On other transcripts: non-coding transcript variant (5), 5 prime UTR variant (16), intron variant (2).
Genome position (GRCh38, 1-based): chr9:132,928,869, C>T on the plus strand (G>A on the coding strand, the complement: TSC1 is on the minus strand). VCF-style: chr9-132928869-C-T. GRCh37 (hg19) VCF-style: chr9-135804256-C-T.
Other names: c.-874G>A (NM_001406626.1, NM_001406627.1, NM_001406628.1); c.-1016G>A (NM_001406629.1); c.-1090G>A (NM_001406630.1); c.-153-3130G>A (NM_001406620.1, NM_001406618.1); c.4G>A, p.Ala2Thr (NM_001406611.1, NM_001406612.1, NM_001406613.1 and 21 more transcripts); c.-348G>A (NM_001406614.1); c.-485G>A (NM_001406615.1, NM_001406623.1); c.-452G>A (NM_001406616.1, NM_001406624.1); and 1 more; short protein forms A2T.
Identifiers: ClinVar variation 2745338 (VCV002745338.3), dbSNP rs2539147267, ClinGen allele CA375375471.
Genomic context (GRCh38, chr9:132,928,869, plus strand): 5'-GCACACCCAGCATGGGGGAGTCCAGCATGGCAAGAAGCTCCCCGACATTTGCTTGTTGGG[C>T]CATTCTCTCGCTCGAAGGCGCTGTGCTGGCTCCAGGACGTGTGCTACAGGTTCTGAAGGT-3'
Protein context (NP_000359.1, residues 1-12): M[Ala2Thr]QQANVGELLA